The following is an entry in ClinVar:

ClinVar aggregate classification (germline): Uncertain significance. Review status: criteria provided, multiple submitters, no conflicts (2 of 4 stars). 2 submissions from 2 submitters: Uncertain significance (2). Last evaluated 2025-10-27.

Conditions:
Inborn genetic diseases. Identifiers: MedGen C0950123, MeSH D030342.

gnomAD v4.1: 13 of 1,611,962 alleles (0.00081%); highest among the groups gnomAD compares: African/African-American, 0.013%; 1 homozygote.

Submissions (2):

Labcorp Genetics (formerly Invitae), Labcorp
Classification: Uncertain significance. Last evaluated: 2025-10-27. Review status: criteria provided, single submitter. Criteria: Invitae Variant Classification Sherloc (09022015). Collection method: clinical testing. Allele origin: germline.
Comment: This sequence change replaces glutamine, which is neutral and polar, with glutamic acid, which is acidic and polar, at codon 957 of the ANKRD26 protein (p.Gln957Glu). The frequency data for this variant in the population databases is considered unreliable, as metrics indicate poor data quality at this position in the gnomAD database. This variant has not been reported in the literature in individuals affected with ANKRD26-related conditions. ClinVar contains an entry for this variant (Variation ID: 3296828). An algorithm developed to predict the effect of missense changes on protein structure and function (PolyPhen-2) suggests that this variant is likely to be disruptive. In summary, the available evidence is currently insufficient to determine the role of this variant in disease. Therefore, it has been classified as a Variant of Uncertain Significance.

Ambry Genetics
Classification: Uncertain significance for Inborn genetic diseases. Last evaluated: 2024-12-31. Review status: criteria provided, single submitter. Criteria: Ambry Variant Classification Scheme 2023. Collection method: clinical testing. Allele origin: germline.
Comment: The p.Q957E variant (also known as c.2869C>G), located in coding exon 24 of the ANKRD26 gene, results from a C to G substitution at nucleotide position 2869. The glutamine at codon 957 is replaced by glutamic acid, an amino acid with highly similar properties. This amino acid position is conserved. In addition, this alteration is predicted to be tolerated by in silico analysis. Based on the available evidence, the clinical significance of this variant remains unclear.

NM_014915.3(ANKRD26):c.2869C>G (p.Gln957Glu)

Gene: ANKRD26 (ankyrin repeat domain 26; minus strand). Cytogenetic location: 10p12.1.
Variant type: single nucleotide variant.
Coding change: c.2869C>G on transcript NM_014915.3 (MANE Select); coding-DNA position 2869, C replaced by G.
Protein change: p.Gln957Glu; replaces glutamine 957 with glutamic acid.
Molecular consequence: missense variant.
Genome position (GRCh38, 1-based): chr10:27,035,581, G>C on the plus strand (C>G on the coding strand, the complement: ANKRD26 is on the minus strand). VCF-style: chr10-27035581-G-C. GRCh37 (hg19) VCF-style: chr10-27324510-G-C.
Other names: c.2866C>G, p.Gln956Glu (NM_001256053.2); short protein forms Q957E, Q956E.
Identifiers: ClinVar variation 3296828 (VCV003296828.4).